The following is an entry in ClinVar:

ClinVar aggregate classification (germline): Uncertain significance. Review status: criteria provided, multiple submitters, no conflicts (2 of 4 stars). 2 submissions from 2 submitters: Uncertain significance (2). Last evaluated 2025-03-22.

Conditions:
Inborn genetic diseases. Identifiers: MedGen C0950123, MeSH D030342.
Primary ciliary dyskinesia 32. Also called: CILIARY DYSKINESIA, PRIMARY, 32, WITHOUT SITUS INVERSUS. Identifiers: Orphanet 244, MedGen C4225311, MONDO:0014657, OMIM 616481.

Allele frequency attached by ClinVar (database versions not stated): ExAC 0.00006; gnomAD 0.00009 and 0.00010; TOPMed 0.00009; gnomAD exomes 0.00008.

Submissions (2):

Ambry Genetics
Classification: Uncertain significance for Inborn genetic diseases. Last evaluated: 2025-03-22. Review status: criteria provided, single submitter. Criteria: Ambry Variant Classification Scheme 2023. Collection method: clinical testing. Allele origin: germline.

Labcorp Genetics (formerly Invitae), Labcorp
Classification: Uncertain significance for Primary ciliary dyskinesia 32. Last evaluated: 2022-07-05. Review status: criteria provided, single submitter. Criteria: Invitae Variant Classification Sherloc (09022015). Collection method: clinical testing. Allele origin: germline.
Comment: This sequence change replaces isoleucine, which is neutral and non-polar, with threonine, which is neutral and polar, at codon 426 of the RSPH3 protein (p.Ile426Thr). This variant is present in population databases (rs533324922, gnomAD 0.02%). This variant has not been reported in the literature in individuals affected with RSPH3-related conditions. ClinVar contains an entry for this variant (Variation ID: 646621). Algorithms developed to predict the effect of missense changes on protein structure and function are either unavailable or do not agree on the potential impact of this missense change (SIFT: "Deleterious"; PolyPhen-2: "Benign"; Align-GVGD: "Class C25"). In summary, the available evidence is currently insufficient to determine the role of this variant in disease. Therefore, it has been classified as a Variant of Uncertain Significance.

NM_031924.8(RSPH3):c.851T>C (p.Ile284Thr)

Gene: RSPH3 (radial spoke head 3; minus strand). Cytogenetic location: 6q25.3.
Variant type: single nucleotide variant.
Coding change: c.851T>C on transcript NM_031924.8 (MANE Select); coding-DNA position 851, T replaced by C.
Protein change: p.Ile284Thr; replaces isoleucine 284 with threonine.
Molecular consequence: missense variant. On other transcripts: non-coding transcript variant (1).
Genome position (GRCh38, 1-based): chr6:158,980,782, A>G on the plus strand (T>C on the coding strand, the complement: RSPH3 is on the minus strand). VCF-style: chr6-158980782-A-G. GRCh37 (hg19) VCF-style: chr6-159401814-A-G.
Other names: c.989T>C, p.Ile330Thr (NM_001346418.1); short protein forms I330T, I284T.
Identifiers: ClinVar variation 646621 (VCV000646621.7), dbSNP rs533324922, ClinGen allele CA4075798.